The following is an entry in ClinVar:

NM_021930.6(RINT1):c.769C>T (p.Pro257Ser)

Gene: RINT1 (RAD50 interactor 1; plus strand). Cytogenetic location: 7q22.3.
Variant type: single nucleotide variant.
Coding change: c.769C>T on transcript NM_021930.6 (MANE Select); coding-DNA position 769, C replaced by T.
Protein change: p.Pro257Ser; replaces proline 257 with serine.
Molecular consequence: missense variant. On other transcripts: 5 prime UTR variant (2), non-coding transcript variant (1), intron variant (1).
Genome position (GRCh38, 1-based): chr7:105,547,263, C>T. VCF-style: chr7-105547263-C-T. GRCh37 (hg19) VCF-style: chr7-105187710-C-T.
Other names: c.535C>T, p.Pro179Ser (NM_001346599.2); c.-251C>T (NM_001346600.2); c.-154C>T (NM_001346601.2); c.-27-2792C>T (NM_001346603.2); short protein forms P257S, P179S.
Identifiers: ClinVar variation 2795656 (VCV002795656.3), dbSNP rs370242278, ClinGen allele CA4426523.

ClinVar aggregate classification (germline): Uncertain significance (1 of 4 stars; one submission).

Allele frequency attached by ClinVar (database versions not stated): ESP Exome Variant Server 0.00008.

Submission:

Labcorp Genetics (formerly Invitae), Labcorp
Classification: Uncertain significance. Last evaluated: 2023-09-29. Review status: criteria provided, single submitter. Criteria: Invitae Variant Classification Sherloc (09022015). Collection method: clinical testing. Allele origin: germline.
Comment: In summary, the available evidence is currently insufficient to determine the role of this variant in disease. Therefore, it has been classified as a Variant of Uncertain Significance. An algorithm developed to predict the effect of missense changes on protein structure and function (PolyPhen-2) suggests that this variant is likely to be tolerated. This variant has not been reported in the literature in individuals affected with RINT1-related conditions. This variant is present in population databases (rs370242278, gnomAD 0.0009%). This sequence change replaces proline, which is neutral and non-polar, with serine, which is neutral and polar, at codon 257 of the RINT1 protein (p.Pro257Ser).